The following is an entry in ClinVar:

NM_182914.3(SYNE2):c.11846C>T (p.Ser3949Phe)

Gene: SYNE2 (spectrin repeat containing nuclear envelope protein 2; plus strand). Cytogenetic location: 14q23.2.
Variant type: single nucleotide variant.
Coding change: c.11846C>T on transcript NM_182914.3 (MANE Select); coding-DNA position 11846, C replaced by T.
Protein change: p.Ser3949Phe; replaces serine 3949 with phenylalanine.
Molecular consequence: missense variant.
Genome position (GRCh38, 1-based): chr14:64,090,918, C>T. VCF-style: chr14-64090918-C-T. GRCh37 (hg19) VCF-style: chr14-64557636-C-T.
Other names: c.11846C>T, p.Ser3949Phe (NM_015180.6); short protein forms S3949F.
Identifiers: ClinVar variation 5038472 (VCV005038472.1).

ClinVar aggregate classification (germline): Uncertain significance (1 of 4 stars; one submission).

Submission:

CeGaT Center for Human Genetics Tuebingen
Classification: Uncertain significance. Last evaluated: 2026-07-01. Review status: criteria provided, single submitter. Criteria: CeGaT Center For Human Genetics Tuebingen Variant Classification Criteria Version 2. Collection method: clinical testing. Allele origin: germline. Affected: yes. Observed: 1 variant allele.
Comment: SYNE2: PM2, BP4